The following is an entry in ClinVar:

ClinVar aggregate classification (germline): Uncertain significance (1 of 4 stars; one submission).

Submission:

Labcorp Genetics (formerly Invitae), Labcorp
Classification: Uncertain significance. Last evaluated: 2023-08-04. Review status: criteria provided, single submitter. Criteria: Invitae Variant Classification Sherloc (09022015). Collection method: clinical testing. Allele origin: germline.
Comment: In summary, the available evidence is currently insufficient to determine the role of this variant in disease. Therefore, it has been classified as a Variant of Uncertain Significance. Experimental studies and prediction algorithms are not available or were not evaluated, and the functional significance of this variant is currently unknown. This variant is a gross deletion of the genomic region encompassing exon(s) 4 of the HPS4 gene. This variant would be expected to be in-frame, preserving the integrity of the reading frame. This variant has not been reported in the literature in individuals affected with HPS4-related conditions.

NC_000022.10:g.(?_26872939)_(26873122_?)del

Gene: HPS4 (HPS4 biogenesis of lysosomal organelles complex 3 subunit 2; minus strand). Cytogenetic location: 22q12.1.
Variant type: Deletion.
Identifiers: ClinVar variation 1434071 (VCV001434071.6).